The following is an entry in ClinVar:

NM_015192.4(PLCB1):c.2550G>T (p.Glu850Asp)

Gene: PLCB1 (phospholipase C beta 1; plus strand). Cytogenetic location: 20p12.3.
Variant type: single nucleotide variant.
Coding change: c.2550G>T on transcript NM_015192.4 (MANE Select); coding-DNA position 2550, G replaced by T.
Protein change: p.Glu850Asp; replaces glutamic acid 850 with aspartic acid.
Molecular consequence: missense variant.
Genome position (GRCh38, 1-based): chr20:8,757,072, G>T. VCF-style: chr20-8757072-G-T. GRCh37 (hg19) VCF-style: chr20-8737719-G-T.
Other names: c.2550G>T, p.Glu850Asp (NM_182734.3); short protein forms E850D.
Identifiers: ClinVar variation 195829 (VCV000195829.24), dbSNP rs141433824, ClinGen allele CA242464.

ClinVar aggregate classification (germline): Conflicting classifications of pathogenicity. Review status: criteria provided, conflicting classifications (1 of 4 stars). 6 submissions from 6 submitters: Uncertain significance (3); Likely benign (2). 1 of the submissions does not count toward it. Last evaluated 2026-01-28.

Conditions:
PLCB1-related disorder. Also called: PLCB1-related condition.
Inborn genetic diseases. Identifiers: MedGen C0950123, MeSH D030342.
Developmental and epileptic encephalopathy, 12 (DEE12). Identifiers: MedGen C3150988, MONDO:0013389, OMIM 613722.

Allele frequency attached by ClinVar (database versions not stated): ExAC 0.00048; ESP Exome Variant Server 0.00131; gnomAD 0.00131 and 0.00137; 1000 Genomes Project 0.00140; TOPMed 0.00152; 1000 Genomes Project 30x 0.00156.
gnomAD v4.1: 413 of 1,612,200 alleles (0.026%); highest among the groups gnomAD compares: African/African-American, 0.47%; 2 homozygotes.

Submissions (6):

Labcorp Genetics (formerly Invitae), Labcorp
Classification: Likely benign for Developmental and epileptic encephalopathy, 12. Last evaluated: 2026-01-28. Review status: criteria provided, single submitter. Criteria: Invitae Variant Classification Sherloc (09022015). Collection method: clinical testing. Allele origin: germline.

GeneDx
Classification: Likely benign. Last evaluated: 2020-12-08. Review status: criteria provided, single submitter. Criteria: GeneDx Variant Classification Process June 2021. Collection method: clinical testing. Allele origin: germline. Affected: yes.

Ambry Genetics
Classification: Uncertain significance for Inborn genetic diseases. Last evaluated: 2018-02-14. Review status: criteria provided, single submitter. Criteria: Ambry Variant Classification Scheme 2023. Collection method: clinical testing. Allele origin: germline.
Comment: The p.E850D variant (also known as c.2550G>T), located in coding exon 24 of the PLCB1 gene, results from a G to T substitution at nucleotide position 2550. The glutamic acid at codon 850 is replaced by aspartic acid, an amino acid with highly similar properties. This amino acid position is highly conserved in available vertebrate species. In addition, this alteration is predicted to be tolerated by in silico analysis. Since supporting evidence is limited at this time, the clinical significance of this alteration remains unclear.

Illumina Laboratory Services, Illumina
Classification: Uncertain significance for Developmental and epileptic encephalopathy, 12. Last evaluated: 2018-01-13. Review status: criteria provided, single submitter. Criteria: ICSL Variant Classification Criteria 13 December 2019. Collection method: clinical testing. Allele origin: germline.

Eurofins Ntd Llc (ga)
Classification: Uncertain significance. Last evaluated: 2017-12-29. Review status: criteria provided, single submitter. Criteria: EGL Classification Definitions 2015. Collection method: clinical testing. Allele origin: germline. Observed: 5 variant alleles, 5 heterozygotes.

PreventionGenetics, part of Exact Sciences
Classification: Likely benign for PLCB1-related condition. Last evaluated: 2019-08-29. Review status: no assertion criteria provided. Collection method: clinical testing. Allele origin: germline. Not counted in ClinVar's aggregate classification.
Comment: This variant is classified as likely benign based on ACMG/AMP sequence variant interpretation guidelines (Richards et al. 2015 PMID: 25741868, with internal and published modifications).